The following is an entry in ClinVar:

NM_000238.4(KCNH2):c.1341C>T (p.Tyr447=)

Gene: KCNH2 (potassium voltage-gated channel subfamily H member 2; minus strand). Cytogenetic location: 7q36.1.
Variant type: single nucleotide variant.
Coding change: c.1341C>T on transcript NM_000238.4 (MANE Select); coding-DNA position 1341, C replaced by T.
Protein change: p.Tyr447=; no amino-acid change (tyrosine 447 retained).
Molecular consequence: synonymous variant. On other transcripts: non-coding transcript variant (2).
Genome position (GRCh38, 1-based): chr7:150,952,641, G>A on the plus strand (C>T on the coding strand, the complement: KCNH2 is on the minus strand). VCF-style: chr7-150952641-G-A. GRCh37 (hg19) VCF-style: chr7-150649729-G-A.
Other names: c.321C>T, p.Tyr107= (NM_001204798.2, NM_172057.3); c.1053C>T, p.Tyr351= (NM_001406753.1, NM_001406756.1); c.1164C>T, p.Tyr388= (NM_001406755.1); c.1041C>T, p.Tyr347= (NM_001406757.1); c.1341C>T, p.Tyr447= (NM_172056.3).
Identifiers: ClinVar variation 413336 (VCV000413336.27), dbSNP rs367570298, ClinGen allele CA027774.

ClinVar aggregate classification (germline): Conflicting classifications of pathogenicity. Review status: criteria provided, conflicting classifications (1 of 4 stars). 7 submissions from 7 submitters: Uncertain significance (2); Likely benign (5). Last evaluated 2025-12-21.

Conditions:
Cardiovascular phenotype. Identifiers: MedGen CN230736.
Cardiac arrhythmia. Also called: Cardiac rhythm disease; Arrhythmia. Identifiers: MedGen C0003811, MONDO:0007263, HP:0011675.
Long QT syndrome (LQTS). Identifiers: MedGen C0023976, MeSH D008133, MONDO:0002442. Disease mechanism: loss of function. Inheritance: Various modes of inheritance.
Long QT syndrome 2 (LQT2). Identifiers: Orphanet 101016, Orphanet 768, MedGen C3150943, MONDO:0013367, OMIM 613688.
Short QT syndrome type 1. Identifiers: Orphanet 51083, MedGen C1865020, MONDO:0012312, OMIM 609620.

Allele frequency attached by ClinVar (database versions not stated): TOPMed 0.00006; gnomAD 0.00007 and 0.00008; ESP Exome Variant Server 0.00008; gnomAD exomes 0.00010.
gnomAD v4.1: 155 of 1,613,898 alleles (0.0096%); highest among the groups gnomAD compares: East Asian, 0.022%; no homozygotes.

Submissions (7):

Labcorp Genetics (formerly Invitae), Labcorp
Classification: Likely benign for Long QT syndrome. Last evaluated: 2025-12-21. Review status: criteria provided, single submitter. Criteria: Invitae Variant Classification Sherloc (09022015). Collection method: clinical testing. Allele origin: germline.

All of Us Research Program, National Institutes of Health
Classification: Likely benign for Long QT syndrome. Last evaluated: 2024-01-03. Review status: criteria provided, single submitter. Criteria: ACMG Guidelines, 2015. Collection method: clinical testing. Allele origin: germline. Inheritance: Autosomal dominant inheritance. Observed: 15 variant alleles, 15 heterozygotes.
Comment: This study involves interpretation of variants in research participants for the purpose of population health screening. Participant phenotype was not available at the time of variant classification. Additional details can be found in publication PMID: 35346344, PMCID: PMC8962531

Blueprint Genetics
Classification: Likely benign. Last evaluated: 2022-06-08. Review status: criteria provided, single submitter. Criteria: ACMG Guidelines, 2015. Collection method: clinical testing. Allele origin: germline.

Ambry Genetics
Classification: Likely benign for Cardiovascular phenotype. Last evaluated: 2022-04-29. Review status: criteria provided, single submitter. Criteria: Ambry Variant Classification Scheme 2023. Collection method: clinical testing. Allele origin: germline.

Color Diagnostics, LLC DBA Color Health
Classification: Likely benign for Arrhythmia. Last evaluated: 2019-05-02. Review status: criteria provided, single submitter. Criteria: ACMG Guidelines, 2015. Collection method: clinical testing. Allele origin: germline.

Illumina Laboratory Services, Illumina
Classification: Uncertain significance for Long QT syndrome 2. Last evaluated: 2017-04-27. Review status: criteria provided, single submitter. Criteria: ICSL Variant Classification Criteria 13 December 2019. Collection method: clinical testing. Allele origin: germline.

Center for Genomics, Ann and Robert H. Lurie Children's Hospital of Chicago
Classification: Uncertain significance for Short QT syndrome type 1; Long QT syndrome 2. Review status: criteria provided, single submitter. Criteria: ACMG Guidelines, 2015. Collection method: clinical testing. Allele origin: germline.
Comment: KCNH2 NM_000238.3 exon 6 p.Tyr447= (c.1341C>T): This variant has not been reported in the literature but is present in 5/126272 European alleles in the Genome Aggregation Database. This variant is present in ClinVar (Variation ID:413336). Evolutionary conservation and computational predictive tools for this variant are limited or unavailable. Of note, this variant is a silent variant and does not change the amino acid, reducing the probability that this variant is disease causing. In summary, data on this variant is insufficient for disease classification. Therefore, the clinical significance of this variant is uncertain